The following is an entry in ClinVar:

NM_000255.4(MMUT):c.1867G>C (p.Gly623Arg)

Gene: MMUT (methylmalonyl-CoA mutase; minus strand). Cytogenetic location: 6p12.3.
Variant type: single nucleotide variant.
Coding change: c.1867G>C on transcript NM_000255.4 (MANE Select); coding-DNA position 1867, G replaced by C.
Protein change: p.Gly623Arg; replaces glycine 623 with arginine.
Molecular consequence: missense variant.
Genome position (GRCh38, 1-based): chr6:49,440,295, C>G on the plus strand (G>C on the coding strand, the complement: MMUT is on the minus strand). VCF-style: chr6-49440295-C-G. GRCh37 (hg19) VCF-style: chr6-49408008-C-G.
Other names: short protein forms G623R.
Identifiers: ClinVar variation 557096 (VCV000557096.5), dbSNP rs121918254, ClinGen allele CA364395226.

ClinVar aggregate classification (germline): Pathogenic. Review status: criteria provided, single submitter (1 of 4 stars). 2 submissions from 2 submitters: Pathogenic (1). 1 of the submissions does not count toward it. Last evaluated 2024-10-24.

Conditions:
Methylmalonic aciduria due to methylmalonyl-CoA mutase deficiency (MAMM). Also called: Methylmalonic aciduria, mut type. Identifiers: Orphanet 27, MedGen C1855114, MONDO:0009612, OMIM 251000.

gnomAD v4.1: 2 of 1,613,898 alleles (0.00012%); highest among the groups gnomAD compares: Non-Finnish European, 0.00017%; no homozygotes.

Submissions (2):

Labcorp Genetics (formerly Invitae), Labcorp
Classification: Pathogenic. Last evaluated: 2024-10-24. Review status: criteria provided, single submitter. Criteria: Invitae Variant Classification Sherloc (09022015). Collection method: clinical testing. Allele origin: germline.
Comment: This sequence change replaces glycine, which is neutral and non-polar, with arginine, which is basic and polar, at codon 623 of the MUT protein (p.Gly623Arg). This variant is not present in population databases (gnomAD no frequency). This missense change has been observed in individual(s) with methylmalonic acidemia (PMID: 7909321, 15643616, 16281286, 19375370). ClinVar contains an entry for this variant (Variation ID: 557096). Invitae Evidence Modeling of protein sequence and biophysical properties (such as structural, functional, and spatial information, amino acid conservation, physicochemical variation, residue mobility, and thermodynamic stability) indicates that this missense variant is expected to disrupt MUT protein function with a positive predictive value of 95%. For these reasons, this variant has been classified as Pathogenic.

Counsyl
Classification: Likely pathogenic for Methylmalonic aciduria due to methylmalonyl-CoA mutase deficiency. Last evaluated: 2018-03-08. Review status: no assertion criteria provided. Collection method: clinical testing. Allele origin: unknown. Not counted in ClinVar's aggregate classification.

Literature cited by the submitters: PubMed 7909321 (cited by Labcorp Genetics (formerly Invitae), Labcorp); PubMed 15643616 (cited by Labcorp Genetics (formerly Invitae), Labcorp); PubMed 16281286 (cited by Labcorp Genetics (formerly Invitae), Labcorp and Counsyl); PubMed 19375370 (cited by Labcorp Genetics (formerly Invitae), Labcorp); PubMed 21048060 (cited by Counsyl); PubMed 25959030 (cited by Counsyl).